The following is an entry in ClinVar:

ClinVar aggregate classification (germline): Pathogenic (1 of 4 stars; one submission).

Conditions:
PURA-related severe neonatal hypotonia-seizures-encephalopathy syndrome (NEDRIHF). Also called: NEURODEVELOPMENTAL DISORDER WITH NEONATAL RESPIRATORY INSUFFICIENCY, HYPOTONIA, AND FEEDING DIFFICULTIES; PURA-Related Neurodevelopmental Disorders. Identifiers: Orphanet 438213, Orphanet 438216, MedGen C4015357, MONDO:1060108, OMIM 616158, MONDO:0018580.

Submission:

Labcorp Genetics (formerly Invitae), Labcorp
Classification: Pathogenic for PURA-related severe neonatal hypotonia-seizures-encephalopathy syndrome. Last evaluated: 2018-07-02. Review status: criteria provided, single submitter. Criteria: Invitae Variant Classification Sherloc (09022015). Collection method: clinical testing. Allele origin: germline.
Comment: For these reasons, this variant has been classified as Pathogenic. Different truncations (p.Gln186*, p.Tyr261*) that are downstream of this variant have been determined to be pathogenic (PMID: 25439098). This suggests that deletion of this region of the PURA protein is causative of disease. This variant has not been reported in the literature in individuals with PURA-related disease. This variant is not present in population databases (ExAC no frequency). This sequence change results in a premature translational stop signal in the PURA gene (p.Tyr113*). While this is not anticipated to result in nonsense mediated decay, it is expected to disrupt the last 210 amino acids of the PURA protein.

Literature cited by the submitters: PubMed 25439098.

NM_005859.5(PURA):c.339C>G (p.Tyr113Ter)

Gene: PURA (purine rich element binding protein A; plus strand). Cytogenetic location: 5q31.3.
Variant type: single nucleotide variant.
Coding change: c.339C>G on transcript NM_005859.5 (MANE Select); coding-DNA position 339, C replaced by G.
Protein change: p.Tyr113Ter; replaces tyrosine 113 with a stop codon.
Molecular consequence: nonsense.
Genome position (GRCh38, 1-based): chr5:140,114,520, C>G. VCF-style: chr5-140114520-C-G. GRCh37 (hg19) VCF-style: chr5-139494105-C-G.
Other names: short protein forms Y113*.
Identifiers: ClinVar variation 656180 (VCV000656180.9), dbSNP rs1581036318, ClinGen allele CA361490547.